The following is an entry in ClinVar:

NM_002227.4(JAK1):c.1624C>T (p.Arg542Cys)

Gene: JAK1 (Janus kinase 1; minus strand). Cytogenetic location: 1p31.3.
Variant type: single nucleotide variant.
Coding change: c.1624C>T on transcript NM_002227.4 (MANE Select); coding-DNA position 1624, C replaced by T.
Protein change: p.Arg542Cys; replaces arginine 542 with cysteine.
Molecular consequence: missense variant.
Genome position (GRCh38, 1-based): chr1:64,855,533, G>A on the plus strand (C>T on the coding strand, the complement: JAK1 is on the minus strand). VCF-style: chr1-64855533-G-A. GRCh37 (hg19) VCF-style: chr1-65321216-G-A.
Other names: c.1624C>T, p.Arg542Cys (NM_001320923.2, NM_001321852.2, NM_001321853.2 and 3 more transcripts); c.1621C>T, p.Arg541Cys (NM_001321857.2); short protein forms R541C, R542C.
Identifiers: ClinVar variation 1517928 (VCV001517928.6), dbSNP rs1306467125, ClinGen allele CA340669241.

ClinVar aggregate classification (germline): Uncertain significance (1 of 4 stars; one submission).

Allele frequency attached by ClinVar (database versions not stated): gnomAD exomes below 0.00001; gnomAD 0.00001; TOPMed 0.00001.
gnomAD v4.1: 5 of 1,614,024 alleles (0.00031%); highest among the groups gnomAD compares: East Asian, 0.0022%; no homozygotes.

Submission:

Labcorp Genetics (formerly Invitae), Labcorp
Classification: Uncertain significance. Last evaluated: 2021-03-20. Review status: criteria provided, single submitter. Criteria: Invitae Variant Classification Sherloc (09022015). Collection method: clinical testing. Allele origin: germline.
Comment: This variant is not present in population databases (ExAC no frequency). This sequence change replaces arginine with cysteine at codon 542 of the JAK1 protein (p.Arg542Cys). The arginine residue is moderately conserved and there is a large physicochemical difference between arginine and cysteine This variant has not been reported in the literature in individuals with JAK1-related conditions. In summary, the available evidence is currently insufficient to determine the role of this variant in disease. Therefore, it has been classified as a Variant of Uncertain Significance. Algorithms developed to predict the effect of missense changes on protein structure and function are either unavailable or do not agree on the potential impact of this missense change (SIFT: "Not Available"; PolyPhen-2: "Possibly Damaging"; Align-GVGD: "Not Available").